The following is an entry in ClinVar:

ClinVar aggregate classification (germline): Conflicting classifications of pathogenicity. Review status: criteria provided, conflicting classifications (1 of 4 stars). 2 submissions from 2 submitters: Uncertain significance (1); Benign (1). Last evaluated 2024-02-17.

Allele frequency attached by ClinVar (database versions not stated): TOPMed below 0.00001; gnomAD 0.00001.
gnomAD v4.1: 1 of 1,613,964 alleles (0.000062%); highest among the groups gnomAD compares: Admixed American, 0.0017%; no homozygotes.

Submissions (2):

Labcorp Genetics (formerly Invitae), Labcorp
Classification: Benign. Last evaluated: 2024-02-17. Review status: criteria provided, single submitter. Criteria: Invitae Variant Classification Sherloc (09022015). Collection method: clinical testing. Allele origin: germline.

GeneDx
Classification: Uncertain significance. Last evaluated: 2022-08-25. Review status: criteria provided, single submitter. Criteria: GeneDx Variant Classification Process June 2021. Collection method: clinical testing. Allele origin: germline. Affected: yes.
Comment: Not observed at significant frequency in large population cohorts (gnomAD); In silico analysis supports that this missense variant does not alter protein structure/function; Has not been previously published as pathogenic or benign to our knowledge

NM_015559.3(SETBP1):c.3397A>T (p.Asn1133Tyr)

Gene: SETBP1 (SET binding protein 1; plus strand). Cytogenetic location: 18q12.3.
Variant type: single nucleotide variant.
Coding change: c.3397A>T on transcript NM_015559.3 (MANE Select); coding-DNA position 3397, A replaced by T.
Protein change: p.Asn1133Tyr; replaces asparagine 1133 with tyrosine.
Molecular consequence: missense variant.
Genome position (GRCh38, 1-based): chr18:44,952,737, A>T. VCF-style: chr18-44952737-A-T. GRCh37 (hg19) VCF-style: chr18-42532702-A-T.
Other names: c.3397A>T, p.Asn1133Tyr (NM_001379141.1, NM_001379142.1, NM_001410862.1); short protein forms N1133Y.
Identifiers: ClinVar variation 2430783 (VCV002430783.4), dbSNP rs2071389822, ClinGen allele CA402324339.